The following is an entry in ClinVar:

NM_004336.5(BUB1):c.3244C>G (p.Arg1082Gly)

Gene: BUB1 (BUB1 mitotic checkpoint serine/threonine kinase; minus strand). Cytogenetic location: 2q13.
Variant type: single nucleotide variant.
Coding change: c.3244C>G on transcript NM_004336.5 (MANE Select); coding-DNA position 3244, C replaced by G.
Protein change: p.Arg1082Gly; replaces arginine 1082 with glycine.
Molecular consequence: missense variant.
Genome position (GRCh38, 1-based): chr2:110,637,978, G>C on the plus strand (C>G on the coding strand, the complement: BUB1 is on the minus strand). VCF-style: chr2-110637978-G-C. GRCh37 (hg19) VCF-style: chr2-111395555-G-C.
Other names: c.3184C>G, p.Arg1062Gly (NM_001278616.2); c.3073C>G, p.Arg1025Gly (NM_001278617.2); short protein forms R1062G, R1025G, R1082G.
Identifiers: ClinVar variation 1729328 (VCV001729328.2), dbSNP rs372788700, ClinGen allele CA348088228.

ClinVar aggregate classification (germline): Uncertain significance (1 of 4 stars; one submission).

Submission:

Ambry Genetics
Classification: Uncertain significance. Last evaluated: 2021-10-12. Review status: criteria provided, single submitter. Criteria: Ambry Variant Classification Scheme 2023. Collection method: clinical testing. Allele origin: germline.
Comment: The p.R1082G variant (also known as c.3244C>G), located in coding exon 25 of the BUB1 gene, results from a C to G substitution at nucleotide position 3244. The arginine at codon 1082 is replaced by glycine, an amino acid with dissimilar properties. This amino acid position is conserved. In addition, this alteration is predicted to be tolerated by in silico analysis. Since supporting evidence is limited at this time, the clinical significance of this alteration remains unclear.